The following is an entry in ClinVar:

NM_000078.3(CETP):c.1262C>T (p.Ser421Phe)

Gene: CETP (cholesteryl ester transfer protein; plus strand). Cytogenetic location: 16q13.
Variant type: single nucleotide variant.
Coding change: c.1262C>T on transcript NM_000078.3 (MANE Select); coding-DNA position 1262, C replaced by T.
Protein change: p.Ser421Phe; replaces serine 421 with phenylalanine.
Molecular consequence: missense variant.
Genome position (GRCh38, 1-based): chr16:56,982,178, C>T. VCF-style: chr16-56982178-C-T. GRCh37 (hg19) VCF-style: chr16-57016090-C-T.
Other names: c.1082C>T, p.Ser361Phe (NM_001286085.2); short protein forms S361F, S421F.
Identifiers: ClinVar variation 3700082 (VCV003700082.2).
Genomic context (GRCh38, chr16:56,982,178, plus strand): 5'-CACTTCTGTGCTCCAGGGAGGACTCACCATGGGCATTTGATTGGCAGAGCAGCTCCGAGT[C>T]CGTCCAGAGCTTCCTGCAGTCAATGATCACCGCTGTGGGCATCCCTGAGGTCATGTCTCG-3'
Protein context (NP_000069.2, residues 411-431): VSNLTESSSE[Ser421Phe]VQSFLQSMIT

ClinVar aggregate classification (germline): Uncertain significance (1 of 4 stars; one submission).

gnomAD v4.1: 13 of 1,613,940 alleles (0.00081%); highest among the groups gnomAD compares: Admixed American, 0.005%; no homozygotes.

Submission:

Labcorp Genetics (formerly Invitae), Labcorp
Classification: Uncertain significance. Last evaluated: 2024-04-04. Review status: criteria provided, single submitter. Criteria: Invitae Variant Classification Sherloc (09022015). Collection method: clinical testing. Allele origin: germline.
Comment: This sequence change replaces serine, which is neutral and polar, with phenylalanine, which is neutral and non-polar, at codon 421 of the CETP protein (p.Ser421Phe). This variant is present in population databases (rs755542747, gnomAD 0.003%). This variant has not been reported in the literature in individuals affected with CETP-related conditions. Advanced modeling of protein sequence and biophysical properties (such as structural, functional, and spatial information, amino acid conservation, physicochemical variation, residue mobility, and thermodynamic stability) performed at Invitae indicates that this missense variant is expected to disrupt CETP protein function with a positive predictive value of 80%. In summary, the available evidence is currently insufficient to determine the role of this variant in disease. Therefore, it has been classified as a Variant of Uncertain Significance.